The following is an entry in ClinVar:

ClinVar aggregate classification (germline): Uncertain significance (1 of 4 stars; one submission).

Submission:

Ambry Genetics
Classification: Uncertain significance. Last evaluated: 2026-06-18. Review status: criteria provided, single submitter. Criteria: Ambry Variant Classification Scheme 2023. Collection method: clinical testing. Allele origin: germline.
Comment: The p.Q90P variant (also known as c.269A>C), located in coding exon 1 of the TET2 gene, results from an A to C substitution at nucleotide position 269. The glutamine at codon 90 is replaced by proline, an amino acid with similar properties. This amino acid position is conserved. In addition, the in silico prediction for this alteration is inconclusive. Based on the available evidence, the clinical significance of this variant remains unclear.

NM_001127208.3(TET2):c.269A>C (p.Gln90Pro)

Genes: TET2 (tet methylcytosine dioxygenase 2; plus strand), TET2-AS1 (TET2 antisense RNA 1; minus strand). Cytogenetic location: 4q24.
Variant type: single nucleotide variant.
Coding change: c.269A>C on transcript NM_001127208.3 (MANE Select); coding-DNA position 269, A replaced by C.
Protein change: p.Gln90Pro; replaces glutamine 90 with proline.
Molecular consequence: missense variant.
Genome position (GRCh38, 1-based): chr4:105,234,211, A>C. VCF-style: chr4-105234211-A-C. GRCh37 (hg19) VCF-style: chr4-106155368-A-C.
Other names: c.269A>C, p.Gln90Pro (NM_017628.4); short protein forms Q90P.
Identifiers: ClinVar variation 5030681 (VCV005030681.1).